The following is an entry in ClinVar:

NM_001281740.3(FHOD3):c.1075C>A (p.Arg359Ser)

Gene: FHOD3 (formin homology 2 domain containing 3; plus strand). Cytogenetic location: 18q12.2.
Variant type: single nucleotide variant.
Coding change: c.1075C>A on transcript NM_001281740.3 (MANE Select); coding-DNA position 1075, C replaced by A.
Protein change: p.Arg359Ser; replaces arginine 359 with serine.
Molecular consequence: missense variant.
Genome position (GRCh38, 1-based): chr18:36,625,628, C>A. VCF-style: chr18-36625628-C-A. GRCh37 (hg19) VCF-style: chr18-34205591-C-A.
Other names: c.1075C>A, p.Arg359Ser (NM_001281739.3, NM_025135.5); short protein forms R359S.
Identifiers: ClinVar variation 5009899 (VCV005009899.1).

ClinVar aggregate classification (germline): Uncertain significance (1 of 4 stars; one submission).

gnomAD v4.1: 2 of 1,605,582 alleles (0.00012%); highest among the groups gnomAD compares: South Asian, 0.0022%; no homozygotes.

Submission:

GeneDx
Classification: Uncertain significance. Last evaluated: 2026-02-20. Review status: criteria provided, single submitter. Criteria: GeneDx Variant Classification Process June 2021. Collection method: clinical testing. Allele origin: germline.
Comment: Not observed at significant frequency in large population cohorts (gnomAD); In silico analysis supports that this missense variant has a deleterious effect on protein structure/function; Has not been previously published as pathogenic or benign to our knowledge